The following is an entry in ClinVar:

NM_003060.4(SLC22A5):c.1161T>G (p.Tyr387Ter)

Gene: SLC22A5 (solute carrier family 22 member 5; plus strand). Cytogenetic location: 5q31.1.
Variant type: single nucleotide variant.
Coding change: c.1161T>G on transcript NM_003060.4 (MANE Select); coding-DNA position 1161, T replaced by G.
Protein change: p.Tyr387Ter; replaces tyrosine 387 with a stop codon.
Molecular consequence: nonsense.
Genome position (GRCh38, 1-based): chr5:132,390,798, T>G. VCF-style: chr5-132390798-T-G. GRCh37 (hg19) VCF-style: chr5-131726490-T-G.
Other names: c.1233T>G, p.Tyr411Ter (NM_001308122.2); short protein forms Y387*, Y411*.
Identifiers: ClinVar variation 2678784 (VCV002678784.4), dbSNP rs72552731, ClinGen allele CA342670.
Genomic context (GRCh38, chr5:132,390,798, plus strand): 5'-CTTGCATGGGGACATCTTTGTGAACTGCTTCCTTTCAGCGATGGTTGAAGTCCCAGCATA[T>G]GTGTTGGCCTGGCTGCTGCTGCAATATTTGCCCCGGCGCTATTCCATGGCCACTGCCCTC-3'

ClinVar aggregate classification (germline): Pathogenic. Review status: criteria provided, multiple submitters, no conflicts (2 of 4 stars). 2 submissions from 2 submitters: Pathogenic (2). Last evaluated 2023-11-25.

Conditions:
Renal carnitine transport defect (CDSP). Also called: Carnitine Deficiency, Systemic; Systemic primary carnitine deficiency; Carnitine transporter deficiency; Primary carnitine deficiency; Systemic primary carnitine deficiency disease; CARNITINE DEFICIENCY, SYSTEMIC, DUE TO DEFECT IN RENAL REABSORPTION OF CARNITINE. Identifiers: Orphanet 158, MedGen C0342788, MONDO:0008919, OMIM 212140.

Allele frequency attached by ClinVar (database versions not stated): gnomAD 0.00001 and 0.00003.

Submissions (2):

Labcorp Genetics (formerly Invitae), Labcorp
Classification: Pathogenic for Renal carnitine transport defect. Last evaluated: 2023-11-25. Review status: criteria provided, single submitter. Criteria: Invitae Variant Classification Sherloc (09022015). Collection method: clinical testing. Allele origin: germline.
Comment: This sequence change creates a premature translational stop signal (p.Tyr387*) in the SLC22A5 gene. It is expected to result in an absent or disrupted protein product. Loss-of-function variants in SLC22A5 are known to be pathogenic (PMID: 9916797). This variant is present in population databases (rs72552731, gnomAD 0.06%). This premature translational stop signal has been observed in individual(s) with autosomal recessive primary carnitine deficiency (PMID: 12204000). For these reasons, this variant has been classified as Pathogenic.

Baylor Genetics
Classification: Pathogenic for Renal carnitine transport defect. Last evaluated: 2023-10-20. Review status: criteria provided, single submitter. Criteria: ACMG Guidelines, 2015. Collection method: clinical testing. Allele origin: unknown.

Literature cited by the submitters: PubMed 9916797 (cited by Labcorp Genetics (formerly Invitae), Labcorp); PubMed 12204000 (cited by Labcorp Genetics (formerly Invitae), Labcorp).